The following is an entry in ClinVar:

ClinVar aggregate classification (germline): Benign. Review status: criteria provided, multiple submitters, no conflicts (2 of 4 stars). 2 submissions from 2 submitters: Benign (2). Last evaluated 2018-01-13.

Conditions:
Fanconi anemia complementation group F. Also called: FANCF-Related Fanconi Anemia. Identifiers: Orphanet 84, MedGen C3469526, MONDO:0011325, OMIM 603467.

Allele frequency attached by ClinVar (database versions not stated): 1000 Genomes Project 0.94908; 1000 Genomes Project 30x 0.95050; TOPMed 0.96626; gnomAD 0.96809 and 0.96836; gnomAD exomes 0.99026.
gnomAD v4.1: 182,919 of 188,056 alleles (97%); highest among the groups gnomAD compares: Non-Finnish European, 100%; 89,128 homozygotes.

Submissions (2):

Illumina Laboratory Services, Illumina
Classification: Benign for Fanconi anemia complementation group F. Last evaluated: 2018-01-13. Review status: criteria provided, single submitter. Criteria: ICSL Variant Classification Criteria 13 December 2019. Collection method: clinical testing. Allele origin: germline.
Comment: This variant was observed in the ICSL laboratory as part of a predisposition screen in an ostensibly healthy population. It had not been previously curated by ICSL or reported in the Human Gene Mutation Database (HGMD: prior to June 1st, 2018), and was therefore a candidate for classification through an automated scoring system. Utilizing variant allele frequency, disease prevalence and penetrance estimates, and inheritance mode, an automated score was calculated to assess if this variant is too frequent to cause the disease. Based on the score and internal cut-off values, a variant classified as benign is not then subjected to further curation. The score for this variant resulted in a classification of benign for this disease.

Breakthrough Genomics
Classification: Benign. Review status: criteria provided, single submitter. Criteria: ACMG Guidelines, 2015. Collection method: not provided. Allele origin: germline. Inheritance: Autosomal recessive inheritance. Affected: yes.

NM_022725.4(FANCF):c.*819C>T

Gene: FANCF (FA complementation group F; minus strand). Cytogenetic location: 11p14.3.
Variant type: single nucleotide variant.
Coding change: c.*819C>T on transcript NM_022725.4 (MANE Select); 819 bases downstream of the stop codon, C replaced by T.
Molecular consequence: 3 prime UTR variant.
Genome position (GRCh38, 1-based): chr11:22,623,867, G>A on the plus strand (C>T on the coding strand, the complement: FANCF is on the minus strand). VCF-style: chr11-22623867-G-A. GRCh37 (hg19) VCF-style: chr11-22645413-G-A.
Identifiers: ClinVar variation 304185 (VCV000304185.6), dbSNP rs450946, ClinGen allele CA10634468.